The following is an entry in ClinVar:

NM_032590.5(KDM2B):c.2330G>C (p.Arg777Thr)

Gene: KDM2B (lysine demethylase 2B; minus strand). Cytogenetic location: 12q24.31.
Variant type: single nucleotide variant.
Coding change: c.2330G>C on transcript NM_032590.5 (MANE Select); coding-DNA position 2330, G replaced by C.
Protein change: p.Arg777Thr; replaces arginine 777 with threonine.
Molecular consequence: missense variant.
Genome position (GRCh38, 1-based): chr12:121,444,133, C>G on the plus strand (G>C on the coding strand, the complement: KDM2B is on the minus strand). VCF-style: chr12-121444133-C-G. GRCh37 (hg19) VCF-style: chr12-121881936-C-G.
Other names: c.2237G>C, p.Arg746Thr (NM_001005366.2); short protein forms R746T, R777T.
Identifiers: ClinVar variation 3765581 (VCV003765581.1).

ClinVar aggregate classification (germline): Uncertain significance (1 of 4 stars; one submission).

Submission:

Greenwood Genetic Center Diagnostic Laboratories, Greenwood Genetic Center
Classification: Uncertain significance. Last evaluated: 2024-08-12. Review status: criteria provided, single submitter. Criteria: ACMG Guidelines, 2015. Collection method: clinical testing. Allele origin: germline. Affected: yes.
Comment: PM2, BP4, PP2